The following is an entry in ClinVar:

NM_001943.5(DSG2):c.344G>C (p.Ser115Thr)

Gene: DSG2 (desmoglein 2; plus strand). Cytogenetic location: 18q12.1.
Variant type: single nucleotide variant.
Coding change: c.344G>C on transcript NM_001943.5 (MANE Select); coding-DNA position 344, G replaced by C.
Protein change: p.Ser115Thr; replaces serine 115 with threonine.
Molecular consequence: missense variant.
Genome position (GRCh38, 1-based): chr18:31,520,930, G>C. VCF-style: chr18-31520930-G-C. GRCh37 (hg19) VCF-style: chr18-29100893-G-C.
Other names: short protein forms S115T.
Identifiers: ClinVar variation 4757871 (VCV004757871.1).
Genomic context (GRCh38, chr18:31,520,930, plus strand): 5'-CAGAGCCACCTTTTGGTATATTTGTCTTTAACAAAGATACTGGAGAACTGAATGTTACCA[G>C]CATTCTTGATCGAGAAGAAACACCATTTTTTCTGGTAAGAAGAATAATTTTAGATTTATT-3'
Protein context (NP_001934.2, residues 105-125): NKDTGELNVT[Ser115Thr]ILDREETPFF

ClinVar aggregate classification (germline): Uncertain significance (1 of 4 stars; one submission).

Conditions:
Cardiomyopathy (CMYO). Also called: Cardiomyopathies. Identifiers: Orphanet 167848, MedGen C0878544, MONDO:0004994, HP:0001638. Inheritance: Various modes of inheritance.

Submission:

Color Diagnostics, LLC DBA Color Health
Classification: Uncertain significance for Cardiomyopathy. Last evaluated: 2025-08-25. Review status: criteria provided, single submitter. Criteria: ACMG Guidelines, 2015. Collection method: clinical testing. Allele origin: germline.
Comment: This missense variant replaces serine with threonine at codon 115 of the DSG2 protein. Computational prediction suggests that this variant may not impact protein structure and function. To our knowledge, functional studies have not been reported for this variant. This variant has not been reported in individuals affected with DSG2-related disorders in the literature. This variant has not been identified in the general population by the Genome Aggregation Database (gnomAD). The available evidence is insufficient to determine the role of this variant in disease conclusively. Therefore, this variant is classified as a Variant of Uncertain Significance.